The following is an entry in ClinVar:

NM_000428.3(LTBP2):c.807_824dup (p.Ala276_Gly277insProGlnSerProProAla)

Gene: LTBP2 (latent transforming growth factor beta binding protein 2; minus strand). Cytogenetic location: 14q24.3.
Variant type: Duplication.
Coding change: c.807_824dup on transcript NM_000428.3 (MANE Select); coding-DNA positions 807 to 824, 18 bases duplicated (CGCACCACAGTCGCCACC).
Protein change: p.Ala276_Gly277insProGlnSerProProAla.
Molecular consequence: inframe insertion.
Genome position (GRCh38, 1-based): chr14:74,585,860-74,585,877, GGTGGCGACTGTGGTGCG duplicated on the plus strand (CGCACCACAGTCGCCACC on the coding strand, the reverse complement: LTBP2 is on the minus strand); duplicating any 18 consecutive bases within chr14:74,585,860-74,585,879 gives the same sequence; the c. name uses the placement nearest the transcript's 3' end. VCF-style (leftmost placement, unchanged base first): chr14-74585859-T-TGGTGGCGACTGTGGTGCG. GRCh37 (hg19) VCF-style: chr14-75052562-T-TGGTGGCGACTGTGGTGCG.
Identifiers: ClinVar variation 1953525 (VCV001953525.2), dbSNP rs1418294917, ClinGen allele CA708489425.

ClinVar aggregate classification (germline): Uncertain significance (1 of 4 stars; one submission).

Submission:

Labcorp Genetics (formerly Invitae), Labcorp
Classification: Uncertain significance. Last evaluated: 2022-03-11. Review status: criteria provided, single submitter. Criteria: Invitae Variant Classification Sherloc (09022015). Collection method: clinical testing. Allele origin: germline.
Comment: This variant, c.807_824dup, results in the insertion of 6 amino acid(s) of the LTBP2 protein (p.Pro271_Ala276dup), but otherwise preserves the integrity of the reading frame. This variant is not present in population databases (gnomAD no frequency). This variant has not been reported in the literature in individuals affected with LTBP2-related conditions. In summary, the available evidence is currently insufficient to determine the role of this variant in disease. Therefore, it has been classified as a Variant of Uncertain Significance.